The following is an entry in ClinVar:

NM_020937.4(FANCM):c.1889C>T (p.Pro630Leu)

Gene: FANCM (FA complementation group M; plus strand). Cytogenetic location: 14q21.2.
Variant type: single nucleotide variant.
Coding change: c.1889C>T on transcript NM_020937.4 (MANE Select); coding-DNA position 1889, C replaced by T.
Protein change: p.Pro630Leu; replaces proline 630 with leucine.
Molecular consequence: missense variant.
Genome position (GRCh38, 1-based): chr14:45,167,050, C>T. VCF-style: chr14-45167050-C-T. GRCh37 (hg19) VCF-style: chr14-45636253-C-T.
Other names: c.1811C>T, p.Pro604Leu (NM_001308133.2); c.1889C>T, p.Pro630Leu (NM_001308134.2); short protein forms P630L, P604L.
Identifiers: ClinVar variation 3572282 (VCV003572282.2).

ClinVar aggregate classification (germline): Uncertain significance. Review status: criteria provided, multiple submitters, no conflicts (2 of 4 stars). 2 submissions from 2 submitters: Uncertain significance (2). Last evaluated 2025-05-24.

Conditions:
Inborn genetic diseases. Identifiers: MedGen C0950123, MeSH D030342.

gnomAD v4.1: 5 of 1,612,450 alleles (0.00031%); highest among the groups gnomAD compares: Non-Finnish European, 0.00042%; no homozygotes.

Submissions (2):

Ambry Genetics
Classification: Uncertain significance for Inborn genetic diseases. Last evaluated: 2025-05-24. Review status: criteria provided, single submitter. Criteria: Ambry Variant Classification Scheme 2023. Collection method: clinical testing. Allele origin: germline.
Comment: The p.P630L variant (also known as c.1889C>T), located in coding exon 11 of the FANCM gene, results from a C to T substitution at nucleotide position 1889. The proline at codon 630 is replaced by leucine, an amino acid with similar properties. This amino acid position is conserved. In addition, this alteration is predicted to be deleterious by in silico analysis. Based on the available evidence, the clinical significance of this variant remains unclear.

Quest Diagnostics Nichols Institute San Juan Capistrano
Classification: Uncertain significance. Last evaluated: 2024-11-22. Review status: criteria provided, single submitter. Criteria: Quest Diagnostics criteria. Collection method: clinical testing. Allele origin: unknown.
Comment: The FANCM c.1889C>T (p.Pro630Leu) variant has not been reported in individuals with FANCM-related conditions in the published literature. It also has not been reported in large, multi-ethnic general populations (Genome Aggregation Database). Analysis of this variant using bioinformatics tools for the prediction of the effect of amino acid changes on protein structure and function yielded predictions that this variant is damaging. Based on the available information, we are unable to determine the clinical significance of this variant.